The following is an entry in ClinVar:

NM_000426.4(LAMA2):c.1393G>C (p.Asp465His)

Gene: LAMA2 (laminin subunit alpha 2; plus strand). Cytogenetic location: 6q22.33.
Variant type: single nucleotide variant.
Coding change: c.1393G>C on transcript NM_000426.4 (MANE Select); coding-DNA position 1393, G replaced by C.
Protein change: p.Asp465His; replaces aspartic acid 465 with histidine.
Molecular consequence: missense variant.
Genome position (GRCh38, 1-based): chr6:129,177,792, G>C. VCF-style: chr6-129177792-G-C. GRCh37 (hg19) VCF-style: chr6-129498937-G-C.
Other names: c.1393G>C, p.Asp465His (NM_001079823.2); short protein forms D465H.
Identifiers: ClinVar variation 1970399 (VCV001970399.5), dbSNP rs2482725408, ClinGen allele CA365607569.

ClinVar aggregate classification (germline): Uncertain significance (1 of 4 stars; one submission).

Conditions:
LAMA2-related muscular dystrophy (LAMA2-RD). Also called: Laminin alpha 2-related dystrophy. Identifiers: MedGen C5679788, MONDO:0100228.

Submission:

Labcorp Genetics (formerly Invitae), Labcorp
Classification: Uncertain significance for LAMA2-related muscular dystrophy. Last evaluated: 2021-12-21. Review status: criteria provided, single submitter. Criteria: Invitae Variant Classification Sherloc (09022015). Collection method: clinical testing. Allele origin: germline.
Comment: In summary, the available evidence is currently insufficient to determine the role of this variant in disease. Therefore, it has been classified as a Variant of Uncertain Significance. Advanced modeling of protein sequence and biophysical properties (such as structural, functional, and spatial information, amino acid conservation, physicochemical variation, residue mobility, and thermodynamic stability) performed at Invitae indicates that this missense variant is not expected to disrupt LAMA2 protein function. This variant has not been reported in the literature in individuals affected with LAMA2-related conditions. This variant is not present in population databases (gnomAD no frequency). This sequence change replaces aspartic acid, which is acidic and polar, with histidine, which is basic and polar, at codon 465 of the LAMA2 protein (p.Asp465His).